The following is an entry in ClinVar:

ClinVar aggregate classification (germline): Uncertain significance (1 of 4 stars; one submission).

gnomAD v4.1: 2 of 1,613,576 alleles (0.00012%); highest among the groups gnomAD compares: South Asian, 0.0022%; no homozygotes.

Submission:

Labcorp Genetics (formerly Invitae), Labcorp
Classification: Uncertain significance. Last evaluated: 2024-06-11. Review status: criteria provided, single submitter. Criteria: Invitae Variant Classification Sherloc (09022015). Collection method: clinical testing. Allele origin: germline.
Comment: This sequence change replaces glycine, which is neutral and non-polar, with alanine, which is neutral and non-polar, at codon 1306 of the COL11A2 protein (p.Gly1306Ala). This variant is present in population databases (rs778536109, gnomAD 0.003%). This variant has not been reported in the literature in individuals affected with COL11A2-related conditions. Advanced modeling of protein sequence and biophysical properties (such as structural, functional, and spatial information, amino acid conservation, physicochemical variation, residue mobility, and thermodynamic stability) performed at Invitae indicates that this missense variant is expected to disrupt COL11A2 protein function with a positive predictive value of 95%. In summary, the available evidence is currently insufficient to determine the role of this variant in disease. Therefore, it has been classified as a Variant of Uncertain Significance.

NM_080680.3(COL11A2):c.3917G>C (p.Gly1306Ala)

Gene: COL11A2 (collagen type XI alpha 2 chain; minus strand). Cytogenetic location: 6p21.32.
Variant type: single nucleotide variant.
Coding change: c.3917G>C on transcript NM_080680.3 (MANE Select); coding-DNA position 3917, G replaced by C.
Protein change: p.Gly1306Ala; replaces glycine 1306 with alanine.
Molecular consequence: missense variant.
Genome position (GRCh38, 1-based): chr6:33,168,562, C>G on the plus strand (G>C on the coding strand, the complement: COL11A2 is on the minus strand). VCF-style: chr6-33168562-C-G. GRCh37 (hg19) VCF-style: chr6-33136339-C-G.
Other names: c.3071G>C, p.Gly1024Ala (NM_001424109.1); c.2891G>C, p.Gly964Ala (NM_001424110.1, NM_001424111.1); c.1871G>C, p.Gly624Ala (NM_001424112.1); c.3596G>C, p.Gly1199Ala (NM_080679.3); c.3659G>C, p.Gly1220Ala (NM_080681.3); c.3737G>C, p.Gly1246Ala (NM_001424108.1); short protein forms G624A, G1024A, G1220A, G964A, G1199A, G1246A, G1306A.
Identifiers: ClinVar variation 3688697 (VCV003688697.2).